The following is an entry in ClinVar:

ClinVar aggregate classification (germline): Uncertain significance (1 of 4 stars; one submission).

Conditions:
Cardiovascular phenotype. Identifiers: MedGen CN230736.

Allele frequency attached by ClinVar (database versions not stated): gnomAD 0.00001; TOPMed 0.00001.
gnomAD v4.1: 9 of 1,614,006 alleles (0.00056%); highest among the groups gnomAD compares: Admixed American, 0.013%; no homozygotes.

Submission:

Ambry Genetics
Classification: Uncertain significance for Cardiovascular phenotype. Last evaluated: 2021-02-24. Review status: criteria provided, single submitter. Criteria: Ambry Variant Classification Scheme 2023. Collection method: clinical testing. Allele origin: germline.
Comment: The p.L992P variant (also known as c.2975T>C), located in coding exon 22 of the LAMA4 gene, results from a T to C substitution at nucleotide position 2975. The leucine at codon 992 is replaced by proline, an amino acid with similar properties. This amino acid position is highly conserved in available vertebrate species. In addition, this alteration is predicted to be deleterious by in silico analysis. Since supporting evidence is limited at this time, the clinical significance of this alteration remains unclear.

NM_001105206.3(LAMA4):c.2996T>C (p.Leu999Pro)

Gene: LAMA4 (laminin subunit alpha 4; minus strand). Cytogenetic location: 6q21.
Variant type: single nucleotide variant.
Coding change: c.2996T>C on transcript NM_001105206.3 (MANE Select); coding-DNA position 2996, T replaced by C.
Protein change: p.Leu999Pro; replaces leucine 999 with proline.
Molecular consequence: missense variant.
Genome position (GRCh38, 1-based): chr6:112,139,866, A>G on the plus strand (T>C on the coding strand, the complement: LAMA4 is on the minus strand). VCF-style: chr6-112139866-A-G. GRCh37 (hg19) VCF-style: chr6-112461068-A-G.
Other names: c.2975T>C, p.Leu992Pro (NM_001105207.3, NM_002290.5); short protein forms L992P, L999P.
Identifiers: ClinVar variation 1798326 (VCV001798326.2), dbSNP rs1447577256, ClinGen allele CA365379425.
Genomic context (GRCh38, chr6:112,139,866, plus strand): 5'-TACAAGCTGATCACATCATTATTCAAAGTGGCCAGTTCCAGGCAGCCAACAAAGCCAGGC[A>G]GGTTTAAGCTGGTAGGGAGCTATGCAATAGAAAAAGTAAAACCACTTGTCTCATGGTCAT-3'
Protein context (NP_001098676.2, residues 989-1009): SNFKLPTSLN[Leu999Pro]PGFVGCLELA